The following is an entry in ClinVar:

ClinVar aggregate classification (germline): Uncertain significance (1 of 4 stars; one submission).

Conditions:
Combined deficiency of sialidase AND beta galactosidase (GSL). Also called: GOLDBERG SYNDROME; Galactosialidosis; CATHEPSIN A DEFICIENCY; NEURAMINIDASE DEFICIENCY WITH BETA-GALACTOSIDASE DEFICIENCY; NEURAMINIDASE/BETA-GALACTOSIDASE EXPRESSION; PPCA DEFICIENCY. Identifiers: Orphanet 351, MedGen C0268233, MONDO:0009737, OMIM 256540.

Submission:

Victorian Clinical Genetics Services, Murdoch Childrens Research Institute
Classification: Uncertain significance for Combined deficiency of sialidase AND beta galactosidase. Last evaluated: 2022-03-31. Review status: criteria provided, single submitter. Criteria: ACMG Guidelines, 2015. Collection method: clinical testing. Allele origin: germline. Inheritance: Autosomal recessive inheritance.
Comment: Based on the classification scheme VCGS_Germline_v1.3.4, this variant is classified as VUS-3C. Following criteria are met: 0102 - Loss of function is a known mechanism of disease in this gene and is associated with galactosialidosis (MIM#256540). (I) 0108 - This gene is associated with both recessive and dominant disease. Recessive disease is well established for galactosialidosis, (MIM#256540) and there are limited reports of autosomal dominant inhertiance for a new phenotype, cathepsin-A-related arteriopathy with strokes and leukoencephalopathy, this is currently only associated with a single variant p.(Arg325Cys) (PMID: 31177426). (I) 0200 - Variant is predicted to result in a missense amino acid change from glutamic acid to glycine. (I) 0219 - This variant is non-coding in an alternative transcript. This variant is coding in the older version of the Clinvar predominant and MANE select transcript (NM_00308.3) but not the most recent version (NM_00308.4). This variant is only coding in one other transcript (NM_001167594.3), and the exon it is located in has no pathogenic or likely pathogenic variants in ClinVar. (I) 0251 - This variant is heterozygous. (I) 0301 - Variant is absent from gnomAD (both v2 and v3). (SP) 0309 - An alternative amino acid change at the same position has been observed in gnomAD (v3) (2 heterozygotes, 0 homozygotes). (I) 0503 - Missense variant consistently predicted to be tolerated by multiple in silico tools or not conserved in placental mammals with a minor amino acid change. (SB) 0604 - Variant is not located in an established domain, motif, hotspot or informative constraint region. (I) 0705 - No comparable missense variants have previous evidence for pathogenicity. (I) 0807 - This variant has no previous evidence of pathogenicity. (I) 0905 - No published segregation evidence has been identified for this variant. (I) 1007 - No published functional evidence has been identified for this variant. (SP) Legend: (SP) - Supporting pathogenic, (I) - Information, (SB) - Supporting benign

Literature cited by the submitters: PubMed 31177426.

NM_000308.4(CTSA):c.-2A>G

Gene: CTSA (cathepsin A; plus strand). Cytogenetic location: 20q13.12.
Variant type: single nucleotide variant.
Coding change: c.-2A>G on transcript NM_000308.4 (MANE Select); 2 bases upstream of the start codon, A replaced by G.
Molecular consequence: 5 prime UTR variant. On other transcripts: non-coding transcript variant (1).
Genome position (GRCh38, 1-based): chr20:45,891,378, A>G. VCF-style: chr20-45891378-A-G. GRCh37 (hg19) VCF-style: chr20-44520017-A-G.
Other names: c.-48A>G (NM_001127695.3); c.-2A>G (NM_001167594.3).
Identifiers: ClinVar variation 3376695 (VCV003376695.1).